The following is an entry in ClinVar:

NM_007294.4(BRCA1):c.1963_1964insG (p.Tyr655Ter)

Gene: BRCA1 (BRCA1 DNA repair associated; minus strand). Cytogenetic location: 17q21.31.
Variant type: Insertion.
Coding change: c.1963_1964insG on transcript NM_007294.4 (MANE Select); coding-DNA positions 1963 to 1964, G inserted.
Protein change: p.Tyr655Ter; replaces tyrosine 655 with a stop codon.
Molecular consequence: nonsense. On other transcripts: intron variant (137).
Genome position: GRCh38 VCF-style: chr17-43093567-T-TC. GRCh37 (hg19) VCF-style: chr17-41245584-T-TC.
Other names: 2082insG; c.643+1176_643+1177insG (NM_001408462.1, NM_001408470.1, NM_001408464.1 and 3 more transcripts); c.709+1176_709+1177insG (NM_001408414.1, NM_001408411.1, NM_001408415.1 and 2 more transcripts); c.577+1176_577+1177insG (NM_001408514.1, NM_001408485.1, NM_001408483.1 and 9 more transcripts); c.661+1176_661+1177insG (NM_001408447.1, NM_001408433.1, NM_001408446.1 and 6 more transcripts); c.784+1176_784+1177insG (NM_001408400.1, NM_001408392.1, NM_001407986.1 and 13 more transcripts); c.664+1176_664+1177insG (NM_001408441.1, NM_001408437.1, NM_001408429.1 and 12 more transcripts); c.787+1176_787+1177insG (NM_001407979.1, NM_001407977.1, NM_001407982.1 and 19 more transcripts); and 41 more; short protein forms Y608*, Y655*, Y652*, Y527*, Y543*, Y567*, Y585*, Y628*.
Identifiers: ClinVar variation 54419 (VCV000054419.5), dbSNP rs1555590789, ClinGen allele CA001307.

ClinVar aggregate classification (germline): Pathogenic (3 of 4 stars; one submission).

Conditions:
Breast-ovarian cancer, familial, susceptibility to, 1 (BROVCA1). Also called: OVARIAN CANCER, SUSCEPTIBILITY TO; BRCA1 Hereditary Breast and Ovarian Cancer. Identifiers: Orphanet 145, MedGen C2676676, MONDO:0011450, OMIM 604370. Disease mechanism: loss of function.

Submission:

Evidence-based Network for the Interpretation of Germline Mutant Alleles (ENIGMA)
Classification: Pathogenic for Breast-ovarian cancer, familial, susceptibility to, 1. Last evaluated: 2016-10-18. Review status: reviewed by expert panel. Criteria: ENIGMA BRCA1/2 Classification Criteria (2015). Collection method: curation. Allele origin: germline.
Comment: Variant allele predicted to encode a truncated non-functional protein.